The following is an entry in ClinVar:

ClinVar aggregate classification (germline): Conflicting classifications of pathogenicity. Review status: criteria provided, conflicting classifications (1 of 4 stars). 4 submissions from 4 submitters: Uncertain significance (1); Benign (1); Likely benign (1). 1 of the submissions does not count toward it. Last evaluated 2024-01-29.

Conditions:
Townes syndrome (TBS). Also called: Townes-Brocks syndrome. Identifiers: Orphanet 857, MedGen C0265246, MeSH C536974, MONDO:0007142.
SALL1-related disorder. Also called: SALL1-related condition.

Submissions (4):

Labcorp Genetics (formerly Invitae), Labcorp
Classification: Uncertain significance for Townes syndrome. Last evaluated: 2024-01-29. Review status: criteria provided, single submitter. Criteria: Invitae Variant Classification Sherloc (09022015). Collection method: clinical testing. Allele origin: germline.
Comment: This variant, c.487_489del, results in the deletion of 1 amino acid(s) of the SALL1 protein (p.Gly163del), but otherwise preserves the integrity of the reading frame. This variant is present in population databases (rs754460114, gnomAD 0.06%), and has an allele count higher than expected for a pathogenic variant. This variant has not been reported in the literature in individuals affected with SALL1-related conditions. Experimental studies and prediction algorithms are not available or were not evaluated, and the functional significance of this variant is currently unknown. In summary, the available evidence is currently insufficient to determine the role of this variant in disease. Therefore, it has been classified as a Variant of Uncertain Significance.

Blueprint Genetics
Classification: Benign. Last evaluated: 2023-03-01. Review status: criteria provided, single submitter. Criteria: ACMG Guidelines, 2015. Collection method: clinical testing. Allele origin: germline.

CeGaT Center for Human Genetics Tuebingen
Classification: Likely benign. Last evaluated: 2022-08-01. Review status: criteria provided, single submitter. Criteria: CeGaT Center For Human Genetics Tuebingen Variant Classification Criteria Version 2. Collection method: clinical testing. Allele origin: germline. Affected: yes. Observed: 1 variant allele.
Comment: SALL1: BP3

PreventionGenetics, part of Exact Sciences
Classification: Likely benign for SALL1-related condition. Last evaluated: 2023-11-21. Review status: no assertion criteria provided. Collection method: clinical testing. Allele origin: germline. Not counted in ClinVar's aggregate classification.
Comment: This variant is classified as likely benign based on ACMG/AMP sequence variant interpretation guidelines (Richards et al. 2015 PMID: 25741868, with internal and published modifications).

NM_002968.3(SALL1):c.478GGC[3] (p.Gly163del)

Gene: SALL1 (spalt like transcription factor 1; minus strand). Cytogenetic location: 16q12.1.
Variant type: Microsatellite.
Coding change: c.478GGC[3] on transcript NM_002968.3 (MANE Select); three copies in a row of the 3-base unit GGC starting at c.478; the reference has four copies in a row; one copy, 3 bases deleted.
Protein change: p.Gly163del; deletes glycine 163.
Molecular consequence: inframe deletion. On other transcripts: inframe indel (1).
Genome position (GRCh38, 1-based): chr16:51,141,733-51,141,735, GCC deleted on the plus strand (GGC on the coding strand, the reverse complement: SALL1 is on the minus strand); deleting any 3 consecutive bases within chr16:51,141,733-51,141,746 gives the same sequence; the position shown is the placement nearest the transcript's 3' end. VCF-style (leftmost placement, unchanged base first): chr16-51141732-TGCC-T. GRCh37 (hg19) VCF-style: chr16-51175643-TGCC-T.
Other names: c.187GGC[3], p.Gly66del (NM_001127892.2); c.476_478GCG[3], p.Gly163del (NM_002968.2); c.487_489delGGC (NM_002968.2); short protein forms G163del, G66del.
Identifiers: ClinVar variation 1711409 (VCV001711409.34), dbSNP rs1555475414, ClinGen allele CA8053450.